The following is an entry in ClinVar:

NM_001130438.3(SPTAN1):c.305T>G (p.Leu102Arg)

Gene: SPTAN1 (spectrin alpha, non-erythrocytic 1; plus strand). Cytogenetic location: 9q34.11.
Variant type: single nucleotide variant.
Coding change: c.305T>G on transcript NM_001130438.3 (MANE Select); coding-DNA position 305, T replaced by G.
Protein change: p.Leu102Arg; replaces leucine 102 with arginine.
Molecular consequence: missense variant.
Genome position (GRCh38, 1-based): chr9:128,568,839, T>G. VCF-style: chr9-128568839-T-G. GRCh37 (hg19) VCF-style: chr9-131331118-T-G.
Other names: c.305T>G, p.Leu102Arg (NM_001195532.2, NM_001363759.2, NM_001363765.2 and 5 more transcripts); c.341T>G, p.Leu114Arg (NM_001375312.2, NM_001375318.1); short protein forms L102R, L114R.
Identifiers: ClinVar variation 982637 (VCV000982637.10), dbSNP rs150793549, ClinGen allele CA200426858.

ClinVar aggregate classification (germline): Conflicting classifications of pathogenicity. Review status: criteria provided, conflicting classifications (1 of 4 stars). 2 submissions from 2 submitters: Uncertain significance (1); Likely benign (1). Last evaluated 2021-07-11.

Conditions:
Early-infantile DEE. Also called: Early infantile epileptic encephalopathy; Early infantile epileptic encephalopathy with suppression bursts; Ohtahara syndrome. Identifiers: Orphanet 1934, MedGen C0393706, MONDO:0800491.
Developmental and epileptic encephalopathy, 5 (DEE5). Identifiers: Orphanet 3451, MedGen C3150731, MONDO:0013277, OMIM 613477.

Allele frequency attached by ClinVar (database versions not stated): gnomAD exomes below 0.00001; gnomAD 0.00001; 1000 Genomes Project 30x 0.00016; 1000 Genomes Project 0.00020.
gnomAD v4.1: 2 of 1,614,162 alleles (0.00012%); highest among the groups gnomAD compares: Non-Finnish European, 0.00017%; no homozygotes.

Submissions (2):

Labcorp Genetics (formerly Invitae), Labcorp
Classification: Uncertain significance for Early-infantile DEE. Last evaluated: 2021-07-11. Review status: criteria provided, single submitter. Criteria: Invitae Variant Classification Sherloc (09022015). Collection method: clinical testing. Allele origin: germline.
Comment: This variant has not been reported in the literature in individuals with SPTAN1-related conditions. ClinVar contains an entry for this variant (Variation ID: 982637). This variant is not present in population databases (ExAC no frequency). This sequence change replaces leucine with arginine at codon 102 of the SPTAN1 protein (p.Leu102Arg). The leucine residue is highly conserved and there is a moderate physicochemical difference between leucine and arginine. Algorithms developed to predict the effect of missense changes on protein structure and function (SIFT, PolyPhen-2, Align-GVGD) all suggest that this variant is likely to be disruptive, but these predictions have not been confirmed by published functional studies and their clinical significance is uncertain. In summary, the available evidence is currently insufficient to determine the role of this variant in disease. Therefore, it has been classified as a Variant of Uncertain Significance.

Institute of Human Genetics, University of Leipzig Medical Center
Classification: Likely benign for Developmental and epileptic encephalopathy, 5. Last evaluated: 2019-01-01. Review status: criteria provided, single submitter. Criteria: ACMG Guidelines, 2015. Collection method: clinical testing. Allele origin: unknown. Affected: no.